The following is an entry in ClinVar:

NM_001377137.1(GBF1):c.4278T>A (p.Ser1426Arg)

Gene: GBF1 (golgi brefeldin A resistant guanine nucleotide exchange factor 1; plus strand). Cytogenetic location: 10q24.32.
Variant type: single nucleotide variant.
Coding change: c.4278T>A on transcript NM_001377137.1 (MANE Select); coding-DNA position 4278, T replaced by A.
Protein change: p.Ser1426Arg; replaces serine 1426 with arginine.
Molecular consequence: missense variant. On other transcripts: non-coding transcript variant (5).
Genome position (GRCh38, 1-based): chr10:102,376,790, T>A. VCF-style: chr10-102376790-T-A. GRCh37 (hg19) VCF-style: chr10-104136547-T-A.
Other names: c.4278T>A, p.Ser1426Arg (NM_001199378.2, NM_001391923.1); c.4275T>A, p.Ser1425Arg (NM_001199379.2, NM_001377141.1, NM_001391924.1 and 3 more transcripts); c.4239T>A, p.Ser1413Arg (NM_001377138.1, NM_001391925.1); c.3981T>A, p.Ser1327Arg (NM_001377139.1, NM_001377140.1); c.4374T>A, p.Ser1458Arg (NM_001391922.1); c.4242T>A, p.Ser1414Arg (NM_001391926.1); c.4134T>A, p.Ser1378Arg (NM_001391928.1); c.4038T>A, p.Ser1346Arg (NM_001391929.1); and 1 more; short protein forms S1299R, S1327R, S1346R, S1378R, S1413R, S1414R, S1425R, S1426R.
Identifiers: ClinVar variation 1342026 (VCV001342026.2), dbSNP rs747516364, ClinGen allele CA377884537.

ClinVar aggregate classification (germline): Uncertain significance (1 of 4 stars; one submission).

Conditions:
Charcot-Marie-Tooth Disease, axonal, type 2GG (CMT2GG). Also called: Charcot-Marie-Tooth neuropathy, type 2GG; Charcot-Marie-Tooth neuropathy, axonal, type 2GG; Charcot-Marie-Tooth disease dominant intermediate II. Identifiers: Orphanet 100043, MedGen C5561933, MONDO:0011675, OMIM 606483.

Submission:

Center for Human Genetics and Genomic Medicine, Uniklinik Rwth Aachen
Classification: Uncertain significance for Charcot-Marie-Tooth Disease, axonal, type 2GG. Last evaluated: 2022-02-21. Review status: criteria provided, single submitter. Criteria: ACMG Guidelines, 2015. Collection method: clinical testing. Allele origin: unknown. Affected: yes.
Comment: The variant has not been reported in dbSNP151, gnomAD, or ClinVar. Bioinformatic in silico analyses (Alamut v.2.15.0, PolyPhen-2) evaluate it inconsistently in terms of pathogenicity. Therefore, this variant has been classified as "variant of uncertain significance".